The following is an entry in ClinVar:

ClinVar aggregate classification (germline): Benign/Likely benign. Review status: criteria provided, multiple submitters, no conflicts (2 of 4 stars). 3 submissions from 3 submitters: Benign (1); Likely benign (2). Last evaluated 2026-09-28.

Conditions:
Cardiovascular phenotype. Identifiers: MedGen CN230736.
Hereditary cancer-predisposing syndrome. Also called: Hereditary neoplastic syndrome; Neoplastic Syndromes, Hereditary; Tumor predisposition; Hereditary Cancer Syndrome. Identifiers: Orphanet 140162, MedGen C0027672, MeSH D009386, MONDO:0015356.
Neurofibromatosis, type 1 (NF1). Also called: Neurofibromatosis, type I; Peripheral type neurofibromatosis; VON RECKLINGHAUSEN DISEASE; NEUROFIBROMATOSIS, TYPE I, SOMATIC. Identifiers: Orphanet 636, MedGen C0027831, MONDO:0018975, OMIM 162200. Disease mechanism: loss of function.

gnomAD v4.1: 1 of 1,613,704 alleles (0.000062%); highest among the groups gnomAD compares: African/African-American, 0.0013%; no homozygotes.

Submissions (3):

Myriad Genetics, Inc.
Classification: Benign for Neurofibromatosis, type 1. Last evaluated: 2026-09-28. Review status: criteria provided, single submitter. Criteria: Myriad Autosomal Dominant, Autosomal Recessive and X-Linked Classification Criteria (2023). Collection method: clinical testing. Allele origin: unknown.
Comment: This variant is considered benign. This variant is a silent/synonymous amino acid change and it is not expected to impact splicing.

Labcorp Genetics (formerly Invitae), Labcorp
Classification: Likely benign for Neurofibromatosis, type 1. Last evaluated: 2023-11-28. Review status: criteria provided, single submitter. Criteria: Invitae Variant Classification Sherloc (09022015). Collection method: clinical testing. Allele origin: germline.

Ambry Genetics
Classification: Likely benign for Cardiovascular phenotype; Hereditary cancer-predisposing syndrome. Last evaluated: 2021-04-22. Review status: criteria provided, single submitter. Criteria: Ambry Variant Classification Scheme 2023. Collection method: clinical testing. Allele origin: germline.

NM_001042492.3(NF1):c.7639T>C (p.Leu2547=)

Gene: NF1 (neurofibromin 1; plus strand). Cytogenetic location: 17q11.2.
Variant type: single nucleotide variant.
Coding change: c.7639T>C on transcript NM_001042492.3 (MANE Select); coding-DNA position 7639, T replaced by C.
Protein change: p.Leu2547=; no amino-acid change (leucine 2547 retained).
Molecular consequence: synonymous variant.
Genome position (GRCh38, 1-based): chr17:31,356,483, T>C. VCF-style: chr17-31356483-T-C. GRCh37 (hg19) VCF-style: chr17-29683501-T-C.
Other names: c.7576T>C, p.Leu2526= (NM_000267.4).
Identifiers: ClinVar variation 792946 (VCV000792946.10), dbSNP rs1597865750, ClinGen allele CA499239344.